The following is an entry in ClinVar:

NM_001148.6(ANK2):c.5063A>G (p.Gln1688Arg)

Gene: ANK2 (ankyrin 2; plus strand). Cytogenetic location: 4q26.
Variant type: single nucleotide variant.
Coding change: c.5063A>G on transcript NM_001148.6 (MANE Select); coding-DNA position 5063, A replaced by G.
Protein change: p.Gln1688Arg; replaces glutamine 1688 with arginine.
Molecular consequence: missense variant. On other transcripts: intron variant (68).
Genome position (GRCh38, 1-based): chr4:113,353,681, A>G. VCF-style: chr4-113353681-A-G. GRCh37 (hg19) VCF-style: chr4-114274837-A-G.
Other names: c.4829A>G, p.Gln1610Arg (NM_001386142.1); c.1463A>G, p.Gln488Arg (NM_001386166.1); c.5204A>G, p.Gln1735Arg (NM_001386174.1); c.5180A>G, p.Gln1727Arg (NM_001386175.1); c.4411+3432A>G (NM_001386186.2, NM_001386148.2); c.4213+3432A>G (NM_001354269.3); c.4291+3432A>G (NM_001386187.2); c.4252+3432A>G (NM_001386147.1); and 35 more; short protein forms Q1688R, Q1610R, Q1727R, Q1735R, Q488R.
Identifiers: ClinVar variation 574124 (VCV000574124.12), dbSNP rs369680021, ClinGen allele CA3051175.

ClinVar aggregate classification (germline): Uncertain significance. Review status: criteria provided, multiple submitters, no conflicts (2 of 4 stars). 4 submissions from 4 submitters: Uncertain significance (4). Last evaluated 2025-08-20.

Conditions:
Cardiovascular phenotype. Identifiers: MedGen CN230736.
Cardiac arrhythmia, ankyrin-B-related. Also called: ANKYRIN-B SYNDROME. Identifiers: Orphanet 101016, Orphanet 768, MedGen C1970119, MONDO:0010958, OMIM 600919.
Long QT syndrome (LQTS). Identifiers: MedGen C0023976, MeSH D008133, MONDO:0002442. Disease mechanism: loss of function. Inheritance: Various modes of inheritance.

Allele frequency attached by ClinVar (database versions not stated): gnomAD exomes below 0.00001 and 0.00002; ExAC 0.00003; gnomAD 0.00005; TOPMed 0.00008; ESP Exome Variant Server 0.00015.

Submissions (4):

Labcorp Genetics (formerly Invitae), Labcorp
Classification: Uncertain significance for Long QT syndrome. Last evaluated: 2025-08-20. Review status: criteria provided, single submitter. Criteria: Invitae Variant Classification Sherloc (09022015). Collection method: clinical testing. Allele origin: germline.
Comment: This sequence change replaces glutamine, which is neutral and polar, with arginine, which is basic and polar, at codon 1688 of the ANK2 protein (p.Gln1688Arg). This variant is present in population databases (rs369680021, gnomAD 0.03%). This variant has not been reported in the literature in individuals affected with ANK2-related conditions. ClinVar contains an entry for this variant (Variation ID: 574124). Invitae Evidence Modeling of protein sequence and biophysical properties (such as structural, functional, and spatial information, amino acid conservation, physicochemical variation, residue mobility, and thermodynamic stability) indicates that this missense variant is expected to disrupt ANK2 protein function with a positive predictive value of 80%. In summary, the available evidence is currently insufficient to determine the role of this variant in disease. Therefore, it has been classified as a Variant of Uncertain Significance.

Ambry Genetics
Classification: Uncertain significance for Cardiovascular phenotype. Last evaluated: 2025-04-08. Review status: criteria provided, single submitter. Criteria: Ambry Variant Classification Scheme 2023. Collection method: clinical testing. Allele origin: germline.

GeneDx
Classification: Uncertain significance. Last evaluated: 2023-02-03. Review status: criteria provided, single submitter. Criteria: GeneDx Variant Classification Process June 2021. Collection method: clinical testing. Allele origin: germline. Affected: yes.
Comment: In silico analysis supports that this missense variant does not alter protein structure/function; Has not been previously published as pathogenic or benign to our knowledge

Fulgent Genetics
Classification: Uncertain significance for Cardiac arrhythmia, ankyrin-B-related. Last evaluated: 2021-08-02. Review status: criteria provided, single submitter. Criteria: ACMG Guidelines, 2015. Collection method: clinical testing. Allele origin: unknown.